The following is an entry in ClinVar:

NM_002519.3(NPAT):c.2470G>T (p.Val824Leu)

Gene: NPAT (nuclear protein, coactivator of histone transcription; minus strand). Cytogenetic location: 11q22.3.
Variant type: single nucleotide variant.
Coding change: c.2470G>T on transcript NM_002519.3 (MANE Select); coding-DNA position 2470, G replaced by T.
Protein change: p.Val824Leu; replaces valine 824 with leucine.
Molecular consequence: missense variant.
Genome position (GRCh38, 1-based): chr11:108,172,514, C>A on the plus strand (G>T on the coding strand, the complement: NPAT is on the minus strand). VCF-style: chr11-108172514-C-A. GRCh37 (hg19) VCF-style: chr11-108043241-C-A.
Other names: c.2470G>T, p.Val824Leu (NM_001321307.1); short protein forms V824L.
Identifiers: ClinVar variation 3407144 (VCV003407144.1).

ClinVar aggregate classification (germline): Uncertain significance (1 of 4 stars; one submission).

Submission:

Ambry Genetics
Classification: Uncertain significance. Last evaluated: 2024-08-19. Review status: criteria provided, single submitter. Criteria: Ambry Variant Classification Scheme 2023. Collection method: clinical testing. Allele origin: germline.
Comment: The p.V824L variant (also known as c.2470G>T), located in coding exon 13 of the NPAT gene, results from a G to T substitution at nucleotide position 2470. The valine at codon 824 is replaced by leucine, an amino acid with highly similar properties. This amino acid position is conserved. In addition, this alteration is predicted to be tolerated by in silico analysis. Based on the available evidence, the clinical significance of this variant remains unclear.